The following is an entry in ClinVar:

NM_004447.6(EPS8):c.2226-15dup

Gene: EPS8 (EGFR pathway substrate 8, signaling adaptor; minus strand). Cytogenetic location: 12p12.3.
Variant type: Duplication.
Coding change: c.2226-15dup on transcript NM_004447.6 (MANE Select); 15 bases into the intron before coding-DNA position 2226, one base duplicated (T; older notation c.2226-15dupT).
Molecular consequence: intron variant.
Genome position (GRCh38, 1-based): chr12:15,623,290, A duplicated on the plus strand (T on the coding strand, the reverse complement: EPS8 is on the minus strand); the first of 13 consecutive A bases (chr12:15,623,290-15,623,302); duplicating any one gives the same sequence. VCF-style (leftmost placement, unchanged base first): chr12-15623289-T-TA. GRCh37 (hg19) VCF-style: chr12-15776223-T-TA.
Other names: p.?; c.2226-3dupT (NM_004447.5); c.2226-3dup (NM_004447.6).
Identifiers: ClinVar variation 517652 (VCV000517652.15), dbSNP rs35885542, ClinGen allele CA6467314.

ClinVar aggregate classification (germline): Benign. Review status: criteria provided, multiple submitters, no conflicts (2 of 4 stars). 5 submissions from 5 submitters: Benign (5). Last evaluated 2026-01-28.

Submissions (5):

Labcorp Genetics (formerly Invitae), Labcorp
Classification: Benign. Last evaluated: 2026-01-28. Review status: criteria provided, single submitter. Criteria: Invitae Variant Classification Sherloc (09022015). Collection method: clinical testing. Allele origin: germline.

Mayo Clinic Laboratories, Mayo Clinic
Classification: Benign. Last evaluated: 2020-10-02. Review status: criteria provided, single submitter. Criteria: ACMG Guidelines, 2015. Collection method: clinical testing. Allele origin: germline. Observed: 10 variant alleles.

GeneDx
Classification: Benign. Last evaluated: 2019-08-21. Review status: criteria provided, single submitter. Criteria: GeneDx Variant Classification Process June 2021. Collection method: clinical testing. Allele origin: germline. Affected: yes.

Athena Diagnostics
Classification: Benign. Last evaluated: 2018-05-23. Review status: criteria provided, single submitter. Criteria: Athena Diagnostics Criteria. Collection method: clinical testing. Allele origin: germline.

Laboratory for Molecular Medicine, Mass General Brigham Personalized Medicine
Classification: Benign. Last evaluated: 2017-12-21. Review status: criteria provided, single submitter. Criteria: LMM Criteria. Collection method: clinical testing. Allele origin: germline. Observed: 13 variant alleles.
Comment: c.2226-3dupT in intron 19 of EPS8: This variant is not expected to have clinical significance because it has been identified in 29% (2115/7356) of African chrom osomes including 275 homozygotes by the Genome Aggregation Database (gnomAD; dbSNP rs35885542). ACMG/AMP Criteria applied: BA 1 (Richards 2015).